The following is an entry in ClinVar:

NM_005876.5(SPEG):c.8502G>A (p.Ser2834=)

Genes: ASIC4-AS1 (ASIC4 antisense RNA 1; minus strand), SPEG (striated muscle enriched protein kinase; plus strand). Cytogenetic location: 2q35.
Variant type: single nucleotide variant.
Coding change: c.8502G>A on transcript NM_005876.5 (MANE Select); coding-DNA position 8502, G replaced by A.
Protein change: p.Ser2834=; no amino-acid change (serine 2834 retained).
Molecular consequence: synonymous variant.
Genome position (GRCh38, 1-based): chr2:219,489,520, G>A. VCF-style: chr2-219489520-G-A. GRCh37 (hg19) VCF-style: chr2-220354242-G-A.
Identifiers: ClinVar variation 741103 (VCV000741103.13), dbSNP rs148685205, ClinGen allele CA2127507.

ClinVar aggregate classification (germline): Benign/Likely benign. Review status: criteria provided, multiple submitters, no conflicts (2 of 4 stars). 3 submissions from 3 submitters: Benign (1); Likely benign (1). 1 of the submissions does not count toward it. Last evaluated 2025-10-03.

Conditions:
SPEG-related disorder. Also called: SPEG-related condition.

Allele frequency attached by ClinVar (database versions not stated): ESP Exome Variant Server 0.00008; 1000 Genomes Project 30x 0.00156; 1000 Genomes Project 0.00220.
gnomAD v4.1: 175 of 1,605,344 alleles (0.011%); highest among the groups gnomAD compares: East Asian, 0.25%; no homozygotes.

Submissions (3):

Labcorp Genetics (formerly Invitae), Labcorp
Classification: Benign. Last evaluated: 2025-10-03. Review status: criteria provided, single submitter. Criteria: Invitae Variant Classification Sherloc (09022015). Collection method: clinical testing. Allele origin: germline.

Blueprint Genetics
Classification: Likely benign. Last evaluated: 2024-11-21. Review status: criteria provided, single submitter. Criteria: ACMG Guidelines, 2015. Collection method: clinical testing. Allele origin: germline.

PreventionGenetics, part of Exact Sciences
Classification: Likely benign for SPEG-related condition. Last evaluated: 2019-06-06. Review status: no assertion criteria provided. Collection method: clinical testing. Allele origin: germline. Not counted in ClinVar's aggregate classification.
Comment: This variant is classified as likely benign based on ACMG/AMP sequence variant interpretation guidelines (Richards et al. 2015 PMID: 25741868, with internal and published modifications).